The following is an entry in ClinVar:

NM_033100.4(CDHR1):c.-9G>A

Genes: CDHR1 (cadherin related family member 1; plus strand), LOC130004216 (ATAC-STARR-seq lymphoblastoid silent region 2551; plus strand). Cytogenetic location: 10q23.1.
Variant type: single nucleotide variant.
Coding change: c.-9G>A on transcript NM_033100.4 (MANE Select); 9 bases upstream of the start codon, G replaced by A.
Molecular consequence: 5 prime UTR variant.
Genome position (GRCh38, 1-based): chr10:84,194,752, G>A. VCF-style: chr10-84194752-G-A. GRCh37 (hg19) VCF-style: chr10-85954508-G-A.
Other names: c.-9G>A (NM_001171971.3).
Identifiers: ClinVar variation 4983657 (VCV004983657.1).
Genomic context (GRCh38, chr10:84,194,752, plus strand): 5'-CCAGGGCATGCTCCGTGCCCCTGCGCCCGGTCTCGGCGGCGGCAGGCGACACTCCGCGCC[G>A]GCGGAGACATGAGGCGCTGCCGGTGGGCCGCCCTGGCCCTGGGGCTGCTGCGCCTCTGCT-3'

ClinVar aggregate classification (germline): Likely benign (1 of 4 stars; one submission).

Conditions:
CDHR1-related disorder. Also called: CDHR1-related condition.

gnomAD v4.1: 23 of 1,502,364 alleles (0.0015%); highest among the groups gnomAD compares: South Asian, 0.027%; no homozygotes.

Submission:

PreventionGenetics, part of Exact Sciences
Classification: Likely benign for CDHR1-related condition. Last evaluated: 2026-05-26. Review status: criteria provided, single submitter. Criteria: ACMG Guidelines, 2015. Collection method: clinical testing. Allele origin: germline.
Comment: This variant is classified as likely benign based on ACMG/AMP sequence variant interpretation guidelines (Richards et al. 2015 PMID: 25741868, with internal and published modifications).